The following is an entry in ClinVar:

ClinVar aggregate classification (germline): Uncertain significance. Review status: criteria provided, multiple submitters, no conflicts (2 of 4 stars). 4 submissions from 4 submitters: Uncertain significance (3). 1 of the submissions does not count toward it. Last evaluated 2025-12-29.

Conditions:
Hereditary cancer-predisposing syndrome. Also called: Tumor predisposition; Hereditary Cancer Syndrome; Neoplastic Syndromes, Hereditary; Hereditary neoplastic syndrome. Identifiers: Orphanet 140162, MedGen C0027672, MeSH D009386, MONDO:0015356.
Ataxia-telangiectasia syndrome (AT). Also called: Cerebello-oculocutaneous telangiectasia; Immunodeficiency with ataxia telangiectasia; Ataxia-telangiectasia, complementation group D; AT, COMPLEMENTATION GROUP C; Ataxia-telangiectasia, complementation group E; LOUIS-BAR SYNDROME. Identifiers: Orphanet 100, MedGen C0004135, MONDO:0008840, OMIM 208900.

Allele frequency attached by ClinVar (database versions not stated): gnomAD exomes below 0.00001; TOPMed below 0.00001.
gnomAD v4.1: 3 of 1,613,708 alleles (0.00019%); highest among the groups gnomAD compares: Non-Finnish European, 0.00017%; no homozygotes.

Submissions (4):

Center for Genomic Medicine, Rigshospitalet, Copenhagen University Hospital
Classification: Uncertain significance. Last evaluated: 2025-12-29. Review status: criteria provided, single submitter. Criteria: ACMG Guidelines, 2015. Collection method: clinical testing. Allele origin: germline.
Comment: Classification criteria: BP4

Ambry Genetics
Classification: Uncertain significance for Hereditary cancer-predisposing syndrome. Last evaluated: 2025-08-23. Review status: criteria provided, single submitter. Criteria: Ambry Variant Classification Scheme 2023. Collection method: clinical testing. Allele origin: germline.
Comment: The p.H231D variant (also known as c.691C>G), located in coding exon 6 of the ATM gene, results from a C to G substitution at nucleotide position 691. The histidine at codon 231 is replaced by aspartic acid, an amino acid with similar properties. This variant was reported in 1/270 Austrian hereditary breast and/or ovarian cancer families, who had prior negative BRCA1/2 genetic testing (Thorstenson YR et al. Cancer Res., 2003 Jun;63:3325-33). This amino acid position is well conserved in available vertebrate species. In addition, this alteration is predicted to be tolerated by in silico analysis. Since supporting evidence is limited at this time, the clinical significance of this alteration remains unclear.

Labcorp Genetics (formerly Invitae), Labcorp
Classification: Uncertain significance for Ataxia-telangiectasia syndrome. Last evaluated: 2021-08-24. Review status: criteria provided, single submitter. Criteria: Invitae Variant Classification Sherloc (09022015). Collection method: clinical testing. Allele origin: germline.
Comment: This sequence change replaces histidine with aspartic acid at codon 231 of the ATM protein (p.His231Asp). The histidine residue is moderately conserved and there is a moderate physicochemical difference between histidine and aspartic acid. This variant is not present in population databases (ExAC no frequency). This missense change has been observed in individual(s) with a family history of breast and/or ovarian cancer (PMID: 12810666). ClinVar contains an entry for this variant (Variation ID: 453649). Algorithms developed to predict the effect of missense changes on protein structure and function (SIFT, PolyPhen-2, Align-GVGD) all suggest that this variant is likely to be tolerated. In summary, the available evidence is currently insufficient to determine the role of this variant in disease. Therefore, it has been classified as a Variant of Uncertain Significance.

Natera, Inc.
Classification: Uncertain significance for Ataxia-telangiectasia. Last evaluated: 2025-04-09. Review status: no assertion criteria provided. Collection method: clinical testing. Allele origin: germline. Not counted in ClinVar's aggregate classification.

Literature cited by the submitters: PubMed 12810666 (cited by Ambry Genetics and Labcorp Genetics (formerly Invitae), Labcorp).

NM_000051.4(ATM):c.691C>G (p.His231Asp)

Gene: ATM (ATM serine/threonine kinase; plus strand). Cytogenetic location: 11q22.3.
Variant type: single nucleotide variant.
Coding change: c.691C>G on transcript NM_000051.4 (MANE Select); coding-DNA position 691, C replaced by G.
Protein change: p.His231Asp; replaces histidine 231 with aspartic acid.
Molecular consequence: missense variant.
Genome position (GRCh38, 1-based): chr11:108,244,816, C>G. VCF-style: chr11-108244816-C-G. GRCh37 (hg19) VCF-style: chr11-108115543-C-G.
Other names: c.691C>G, p.His231Asp (NM_001351834.2); short protein forms H231D.
Identifiers: ClinVar variation 453649 (VCV000453649.13), dbSNP rs1460757633, ClinGen allele CA382529076.
Genomic context (GRCh38, chr11:108,244,816, plus strand): 5'-ATACCCAGTTGAGCTTGTTTGTTTCTTCACAGACAAGAAAAGAGCTCTTCAGGTCTAAAT[C>G]ATATCTTAGCAGCTCTTACTATCTTCCTCAAGACTTTGGCTGTCAACTTTCGAATTCGAG-3'
Protein context (NP_000042.3, residues 221-241): RQEKSSSGLN[His231Asp]ILAALTIFLK